The following is an entry in ClinVar:

NM_003742.4(ABCB11):c.2611-25G>A

Genes: ABCB11 (ATP binding cassette subfamily B member 11; minus strand), LOC126806400 (CDK7 strongly-dependent group 2 enhancer GRCh37_chr2:169791870-169793069; plus strand). Cytogenetic location: 2q31.1.
Variant type: single nucleotide variant.
Coding change: c.2611-25G>A on transcript NM_003742.4 (MANE Select); 25 bases into the intron before coding-DNA position 2611, G replaced by A.
Molecular consequence: intron variant.
Genome position (GRCh38, 1-based): chr2:168,936,458, C>T on the plus strand (G>A on the coding strand, the complement: ABCB11 is on the minus strand). VCF-style: chr2-168936458-C-T. GRCh37 (hg19) VCF-style: chr2-169792968-C-T.
Other names: p.?.
Identifiers: ClinVar variation 1326023 (VCV001326023.5), dbSNP rs11568379, ClinGen allele CA1951229.

ClinVar aggregate classification (germline): Benign/Likely benign. Review status: criteria provided, multiple submitters, no conflicts (2 of 4 stars). 4 submissions from 4 submitters: Benign (2); Likely benign (2). Last evaluated 2026-04-14.

Conditions:
Familial intrahepatic cholestasis. Identifiers: Orphanet 284385, MedGen CN296401, MONDO:0017290.

Allele frequency attached by ClinVar (database versions not stated): ESP Exome Variant Server 0.00066; ExAC 0.00688; 1000 Genomes Project 30x 0.01202; 1000 Genomes Project 0.01238.
gnomAD v4.1: 4,550 of 1,610,760 alleles (0.28%); highest among the groups gnomAD compares: Admixed American, 4.2%; 88 homozygotes.

Submissions (4):

Genomenon, Inc
Classification: Benign for Familial intrahepatic cholestasis. Last evaluated: 2026-04-14. Review status: criteria provided, single submitter. Criteria: Genomenon Sequence Variant Interpretation Standards - Updated. Collection method: curation. Allele origin: germline. Affected: no.
Comment: ABCB11 c.2611-25G>A is an intronic variant located in intron 21. This variant is present at high allele frequency in population databases. In conclusion, we classify ABCB11 c.2611-25G>A as a benign variant.

Mayo Clinic Laboratories, Mayo Clinic
Classification: Benign. Last evaluated: 2021-07-14. Review status: criteria provided, single submitter. Criteria: ACMG Guidelines, 2015. Collection method: clinical testing. Allele origin: germline. Observed: 16 variant alleles.

GeneDx
Classification: Likely benign. Last evaluated: 2021-05-20. Review status: criteria provided, single submitter. Criteria: GeneDx Variant Classification Process June 2021. Collection method: clinical testing. Allele origin: germline. Affected: yes.

Breakthrough Genomics
Classification: Likely benign. Review status: criteria provided, single submitter. Criteria: ACMG Guidelines, 2015. Collection method: not provided. Allele origin: germline. Inheritance: Autosomal recessive inheritance. Affected: yes.